The following is an entry in ClinVar:

ClinVar aggregate classification (germline): Benign. Review status: criteria provided, multiple submitters, no conflicts (2 of 4 stars). 9 submissions from 9 submitters: Benign (6). 3 of the submissions do not count toward it. Last evaluated 2026-02-03.

Conditions:
Farber lipogranulomatosis (FRBRL). Also called: Farber's disease; Farber disease; Farber's lipogranulomatosis; AC DEFICIENCY; ACID CERAMIDASE DEFICIENCY; CERAMIDASE DEFICIENCY. Identifiers: Orphanet 333, MedGen C0268255, MONDO:0009218, OMIM 228000.

Allele frequency attached by ClinVar (database versions not stated): 1000 Genomes Project 0.02276; 1000 Genomes Project 30x 0.02311; TOPMed 0.02975; gnomAD 0.03317 and 0.03319; ESP Exome Variant Server 0.03437; ExAC 0.04220.
gnomAD v4.1: 65,288 of 1,605,582 alleles (4.1%); highest among the groups gnomAD compares: South Asian, 6.4%; 1,602 homozygotes.

Submissions (9):

Labcorp Genetics (formerly Invitae), Labcorp
Classification: Benign. Last evaluated: 2026-02-03. Review status: criteria provided, single submitter. Criteria: Invitae Variant Classification Sherloc (09022015). Collection method: clinical testing. Allele origin: germline.

Blueprint Genetics
Classification: Benign. Last evaluated: 2024-11-27. Review status: criteria provided, single submitter. Criteria: ACMG Guidelines, 2015. Collection method: clinical testing. Allele origin: germline.

GeneDx
Classification: Benign. Last evaluated: 2018-06-28. Review status: criteria provided, single submitter. Criteria: GeneDx Variant Classification Process June 2021. Collection method: clinical testing. Allele origin: germline. Affected: yes.

Illumina Laboratory Services, Illumina
Classification: Benign for Farber lipogranulomatosis. Last evaluated: 2018-01-13. Review status: criteria provided, single submitter. Criteria: ICSL Variant Classification Criteria 13 December 2019. Collection method: clinical testing. Allele origin: germline.
Comment: This variant was observed in the ICSL laboratory as part of a predisposition screen in an ostensibly healthy population. It had not been previously curated by ICSL or reported in the Human Gene Mutation Database (HGMD: prior to June 1st, 2018), and was therefore a candidate for classification through an automated scoring system. Utilizing variant allele frequency, disease prevalence and penetrance estimates, and inheritance mode, an automated score was calculated to assess if this variant is too frequent to cause the disease. Based on the score and internal cut-off values, a variant classified as benign is not then subjected to further curation. The score for this variant resulted in a classification of benign for this disease.

Athena Diagnostics
Classification: Benign. Last evaluated: 2017-07-17. Review status: criteria provided, single submitter. Criteria: Athena Diagnostics Criteria. Collection method: clinical testing. Allele origin: germline.

Breakthrough Genomics
Classification: Benign. Review status: criteria provided, single submitter. Criteria: ACMG Guidelines, 2015. Collection method: not provided. Allele origin: germline. Inheritance: Autosomal recessive inheritance. Affected: yes.

Mayo Clinic Laboratories, Mayo Clinic
Classification: Benign. Last evaluated: 2017-03-16. Review status: no assertion criteria provided. Collection method: clinical testing. Allele origin: unknown. Not counted in ClinVar's aggregate classification.

Clinical Genetics, Academic Medical Center
Classification: Benign. Review status: no assertion criteria provided. Collection method: clinical testing. Allele origin: germline. Affected: yes. Study: VKGL Data-share Consensus. Not counted in ClinVar's aggregate classification.

Genome Diagnostics Laboratory, University Medical Center Utrecht
Classification: Benign. Review status: no assertion criteria provided. Collection method: clinical testing. Allele origin: germline. Affected: yes. Study: VKGL Data-share Consensus. Not counted in ClinVar's aggregate classification.

NM_177924.5(ASAH1):c.372T>A (p.Asp124Glu)

Gene: ASAH1 (N-acylsphingosine amidohydrolase 1; minus strand). Cytogenetic location: 8p22.
Variant type: single nucleotide variant.
Coding change: c.372T>A on transcript NM_177924.5 (MANE Select); coding-DNA position 372, T replaced by A.
Protein change: p.Asp124Glu; replaces aspartic acid 124 with glutamic acid.
Molecular consequence: missense variant.
Genome position (GRCh38, 1-based): chr8:18,067,230, A>T on the plus strand (T>A on the coding strand, the complement: ASAH1 is on the minus strand). VCF-style: chr8-18067230-A-T. GRCh37 (hg19) VCF-style: chr8-17924739-A-T.
Other names: c.354T>A, p.Asp118Glu (NM_001127505.3); c.177T>A, p.Asp59Glu (NM_001363743.2); c.420T>A, p.Asp140Glu (NM_004315.6); short protein forms D140E, D124E, D118E, D59E.
Identifiers: ClinVar variation 362381 (VCV000362381.21), dbSNP rs2472205, ClinGen allele CA4650900.